The following is an entry in ClinVar:

ClinVar aggregate classification (germline): Uncertain significance (1 of 4 stars; one submission).

Submission:

Labcorp Genetics (formerly Invitae), Labcorp
Classification: Uncertain significance. Last evaluated: 2022-08-08. Review status: criteria provided, single submitter. Criteria: Invitae Variant Classification Sherloc (09022015). Collection method: clinical testing. Allele origin: germline.
Comment: This variant has not been reported in the literature in individuals affected with TPP1-related conditions. This variant is not present in population databases (gnomAD no frequency). This sequence change replaces leucine, which is neutral and non-polar, with arginine, which is basic and polar, at codon 196 of the TPP1 protein (p.Leu196Arg). In summary, the available evidence is currently insufficient to determine the role of this variant in disease. Therefore, it has been classified as a Variant of Uncertain Significance. Advanced modeling of protein sequence and biophysical properties (such as structural, functional, and spatial information, amino acid conservation, physicochemical variation, residue mobility, and thermodynamic stability) performed at Invitae indicates that this missense variant is not expected to disrupt TPP1 protein function.

NM_000391.4(TPP1):c.587T>G (p.Leu196Arg)

Gene: TPP1 (tripeptidyl peptidase 1; minus strand). Cytogenetic location: 11p15.4.
Variant type: single nucleotide variant.
Coding change: c.587T>G on transcript NM_000391.4 (MANE Select); coding-DNA position 587, T replaced by G.
Protein change: p.Leu196Arg; replaces leucine 196 with arginine.
Molecular consequence: missense variant.
Genome position (GRCh38, 1-based): chr11:6,617,075, A>C on the plus strand (T>G on the coding strand, the complement: TPP1 is on the minus strand). VCF-style: chr11-6617075-A-C. GRCh37 (hg19) VCF-style: chr11-6638306-A-C.
Other names: short protein forms L196R.
Identifiers: ClinVar variation 2020202 (VCV002020202.4), dbSNP rs1855598121, ClinGen allele CA379475507.